The following is an entry in ClinVar:

NM_015557.3(CHD5):c.3377A>G (p.Asn1126Ser)

Gene: CHD5 (chromodomain helicase DNA binding protein 5; minus strand). Cytogenetic location: 1p36.31.
Variant type: single nucleotide variant.
Coding change: c.3377A>G on transcript NM_015557.3 (MANE Select); coding-DNA position 3377, A replaced by G.
Protein change: p.Asn1126Ser; replaces asparagine 1126 with serine.
Molecular consequence: missense variant.
Genome position (GRCh38, 1-based): chr1:6,130,214, T>C on the plus strand (A>G on the coding strand, the complement: CHD5 is on the minus strand). VCF-style: chr1-6130214-T-C. GRCh37 (hg19) VCF-style: chr1-6190274-T-C.
Other names: short protein forms N1126S.
Identifiers: ClinVar variation 2632479 (VCV002632479.2), dbSNP rs1261881368, ClinGen allele CA338076605.

ClinVar aggregate classification (germline): Uncertain significance. Review status: criteria provided, multiple submitters, no conflicts (2 of 4 stars). 2 submissions from 2 submitters: Uncertain significance (2). Last evaluated 2024-10-28.

Conditions:
CHD5-related disorder. Also called: CHD5-related condition.
Inborn genetic diseases. Identifiers: MedGen C0950123, MeSH D030342.

gnomAD v4.1: 1 of 1,613,944 alleles (0.000062%); highest among the groups gnomAD compares: Non-Finnish European, 0.000085%; no homozygotes.

Submissions (2):

Ambry Genetics
Classification: Uncertain significance for Inborn genetic diseases. Last evaluated: 2024-10-28. Review status: criteria provided, single submitter. Criteria: Ambry Variant Classification Scheme 2023. Collection method: clinical testing. Allele origin: germline.

PreventionGenetics, part of Exact Sciences
Classification: Uncertain significance for CHD5-related condition. Last evaluated: 2023-06-15. Review status: criteria provided, single submitter. Criteria: ACMG Guidelines, 2015. Collection method: clinical testing. Allele origin: germline.
Comment: The CHD5 c.3377A>G variant is predicted to result in the amino acid substitution p.Asn1126Ser. To our knowledge, this variant has not been reported in the literature or in a large population database, indicating this variant is rare. At this time, the clinical significance of this variant is uncertain due to the absence of conclusive functional and genetic evidence.